The following is an entry in ClinVar:

ClinVar aggregate classification (germline): Benign/Likely benign. Review status: criteria provided, multiple submitters, no conflicts (2 of 4 stars). 6 submissions from 6 submitters: Benign (2); Likely benign (3). 1 of the submissions does not count toward it. Last evaluated 2026-01-28.

Conditions:
LZTR1-related disorder. Also called: LZTR1-related disorders; LZTR1-related condition.
Hereditary cancer-predisposing syndrome. Also called: Hereditary neoplastic syndrome; Hereditary Cancer Syndrome; Neoplastic Syndromes, Hereditary; Tumor predisposition. Identifiers: Orphanet 140162, MedGen C0027672, MeSH D009386, MONDO:0015356.
Cardiovascular phenotype. Identifiers: MedGen CN230736.

Allele frequency attached by ClinVar (database versions not stated): TOPMed 0.00004; ExAC 0.00007; gnomAD 0.00008.
gnomAD v4.1: 73 of 1,614,090 alleles (0.0045%); highest among the groups gnomAD compares: East Asian, 0.029%; no homozygotes.

Submissions (6):

Labcorp Genetics (formerly Invitae), Labcorp
Classification: Likely benign. Last evaluated: 2026-01-28. Review status: criteria provided, single submitter. Criteria: Invitae Variant Classification Sherloc (09022015). Collection method: clinical testing. Allele origin: germline.

ARUP Laboratories, Molecular Genetics and Genomics, ARUP Laboratories
Classification: Likely benign. Last evaluated: 2025-07-23. Review status: criteria provided, single submitter. Criteria: ARUP Molecular Germline Variant Investigation Process 2024. Collection method: clinical testing. Allele origin: germline.

Blueprint Genetics
Classification: Likely benign. Last evaluated: 2023-10-30. Review status: criteria provided, single submitter. Criteria: ACMG Guidelines, 2015. Collection method: clinical testing. Allele origin: germline.

Ambry Genetics
Classification: Benign for Cardiovascular phenotype; Hereditary cancer-predisposing syndrome. Last evaluated: 2020-08-18. Review status: criteria provided, single submitter. Criteria: Ambry Variant Classification Scheme 2023. Collection method: clinical testing. Allele origin: germline.

Women's Health and Genetics/Laboratory Corporation of America, LabCorp
Classification: Benign. Last evaluated: 2019-12-09. Review status: criteria provided, single submitter. Criteria: LabCorp Variant Classification Summary - May 2015. Collection method: clinical testing. Allele origin: germline.
Comment: Variant summary: LZTR1 c.369C>T results in a synonymous change. 5/5 computational tools predict no significant impact on normal splicing. However, these predictions have yet to be confirmed by functional studies. The variant allele was found at a frequency of 9.6e-05 in 251238 control chromosomes, predominantly at a frequency of 0.00071 within the East Asian subpopulation in the gnomAD database. The observed variant frequency within East Asian control individuals in the gnomAD database is approximately 142 fold of the estimated maximal expected allele frequency for a pathogenic variant in LZTR1 causing Noonan Syndrome and Related Conditions phenotype (5e-06), strongly suggesting that the variant is a benign polymorphism found primarily in populations of East Asian origin. To our knowledge, no occurrence of c.369C>T in individuals affected with Noonan Syndrome and Related Conditions and no experimental evidence demonstrating its impact on protein function have been reported. No clinical diagnostic laboratories have submitted clinical-significance assessments for this variant to ClinVar after 2014. Based on the evidence outlined above, the variant was classified as benign.

PreventionGenetics, part of Exact Sciences
Classification: Likely benign for LZTR1-related condition. Last evaluated: 2020-05-04. Review status: no assertion criteria provided. Collection method: clinical testing. Allele origin: germline. Not counted in ClinVar's aggregate classification.
Comment: This variant is classified as likely benign based on ACMG/AMP sequence variant interpretation guidelines (Richards et al. 2015 PMID: 25741868, with internal and published modifications).

NM_006767.4(LZTR1):c.369C>T (p.Ala123=)

Gene: LZTR1 (leucine zipper like post translational regulator 1; plus strand). Cytogenetic location: 22q11.21.
Variant type: single nucleotide variant.
Coding change: c.369C>T on transcript NM_006767.4 (MANE Select); coding-DNA position 369, C replaced by T.
Protein change: p.Ala123=; no amino-acid change (alanine 123 retained).
Molecular consequence: synonymous variant.
Genome position (GRCh38, 1-based): chr22:20,987,552, C>T. VCF-style: chr22-20987552-C-T. GRCh37 (hg19) VCF-style: chr22-21341841-C-T.
Identifiers: ClinVar variation 929196 (VCV000929196.16), dbSNP rs773126123, ClinGen allele CA10118392.